The following is an entry in ClinVar:

ClinVar aggregate classification (germline): Pathogenic/Likely pathogenic. Review status: criteria provided, multiple submitters, no conflicts (2 of 4 stars). 2 submissions from 2 submitters: Pathogenic (1); Likely pathogenic (1). Last evaluated 2026-02-06.

Conditions:
Immunodeficiency, common variable, 2 (CVID2). Also called: ANTIBODY DEFICIENCY DUE TO TACI DEFECT; HYPOGAMMAGLOBULINEMIA DUE TO TACI DEFICIENCY. Identifiers: Orphanet 1572, MedGen C3150354, MONDO:0009413, OMIM 240500.

Submissions (2):

GeneDx
Classification: Likely pathogenic. Last evaluated: 2026-02-06. Review status: criteria provided, single submitter. Criteria: GeneDx Variant Classification Process June 2021. Collection method: clinical testing. Allele origin: germline.
Comment: Frameshift variant predicted to result in protein truncation or nonsense mediated decay in a gene for which loss of function is a known mechanism of disease; Not observed at significant frequency in large population cohorts (gnomAD); Has not been previously published as pathogenic or benign to our knowledge; This variant is associated with the following publications: (PMID: 27123465, 16007087)

Labcorp Genetics (formerly Invitae), Labcorp
Classification: Pathogenic for Immunodeficiency, common variable, 2. Last evaluated: 2023-05-27. Review status: criteria provided, single submitter. Criteria: Invitae Variant Classification Sherloc (09022015). Collection method: clinical testing. Allele origin: germline.
Comment: For these reasons, this variant has been classified as Pathogenic. This variant has not been reported in the literature in individuals affected with TNFRSF13B-related conditions. This variant is not present in population databases (gnomAD no frequency). This sequence change creates a premature translational stop signal (p.Met31Glufs*49) in the TNFRSF13B gene. It is expected to result in an absent or disrupted protein product. Loss-of-function variants in TNFRSF13B are known to be pathogenic (PMID: 16007087, 27123465).

Literature cited by the submitters: PubMed 16007087 (cited by Labcorp Genetics (formerly Invitae), Labcorp); PubMed 27123465 (cited by Labcorp Genetics (formerly Invitae), Labcorp).

NM_012452.3(TNFRSF13B):c.91_92del (p.Met31fs)

Gene: TNFRSF13B (TNF receptor superfamily member 13B; minus strand). Cytogenetic location: 17p11.2.
Variant type: Deletion.
Coding change: c.91_92del on transcript NM_012452.3 (MANE Select); coding-DNA positions 91 to 92, 2 bases deleted (AT; older notation c.91_92delAT).
Protein change: p.Met31fs; shifts the reading frame from methionine 31.
Molecular consequence: frameshift variant.
Genome position (GRCh38, 1-based): chr17:16,952,553-16,952,554, AT deleted on the plus strand (AT on the coding strand, the reverse complement: TNFRSF13B is on the minus strand); deleting any 2 consecutive bases within chr17:16,952,553-16,952,555 gives the same sequence; the c. name uses the placement nearest the transcript's 3' end. VCF-style (leftmost placement, unchanged base first): chr17-16952552-CAT-C. GRCh37 (hg19) VCF-style: chr17-16855866-CAT-C.
Other names: c.91_92del (NM_012452.2); c.90_91delTA, p.Met31Glufs (NM_012452.2); short protein forms M31fs.
Identifiers: ClinVar variation 2778898 (VCV002778898.4), dbSNP rs1406728306, ClinGen allele CA726579054.
Genomic context (GRCh38, chr17:16,952,552, plus strand): 5'-TTTGCAGGACATGCAGGTACCCAGCAGAGGATCCCAGTACTGCTCTTCGGGGCAGGATCT[CAT>C]AGCCACCCCCGTCCACAGGCCCTGTGGAACTGAGAGACCAGGAGAGTGAGGGCAGCTGGC-3'